The following is an entry in ClinVar:

ClinVar aggregate classification (germline): Pathogenic/Likely pathogenic. Review status: criteria provided, multiple submitters, no conflicts (2 of 4 stars). 3 submissions from 3 submitters: Pathogenic (2); Likely pathogenic (1). Last evaluated 2022-07-25.

Conditions:
Autosomal recessive ataxia, Beauce type. Also called: SYNE1-Related Autosomal Recessive Cerebellar Ataxia; SYNE1 Deficiency; Spinocerebellar ataxia, autosomal recessive 8; ATAXIA, RECESSIVE, OF BEAUCE. Identifiers: Orphanet 88644, MedGen C1853116, MONDO:0012549, OMIM 610743.
Emery-Dreifuss muscular dystrophy 4, autosomal dominant (EDMD4). Also called: EMERY-DREIFUSS MUSCULAR DYSTROPHY 4 WITH VARIABLE FEATURES. Identifiers: Orphanet 261, MedGen C2751807, MONDO:0013071, OMIM 612998.
SYNE1-related disorder. Also called: SYNE1-related disease; SYNE1-related condition; SYNE1-related disorders.

Allele frequency attached by ClinVar (database versions not stated): gnomAD exomes below 0.00001; gnomAD 0.00001; TOPMed 0.00002.
gnomAD v4.1: 7 of 1,614,078 alleles (0.00043%); highest among the groups gnomAD compares: Non-Finnish European, 0.00059%; no homozygotes.

Submissions (3):

Labcorp Genetics (formerly Invitae), Labcorp
Classification: Pathogenic for Emery-Dreifuss muscular dystrophy 4, autosomal dominant; Autosomal recessive ataxia, Beauce type. Last evaluated: 2022-07-25. Review status: criteria provided, single submitter. Criteria: Invitae Variant Classification Sherloc (09022015). Collection method: clinical testing. Allele origin: germline.
Comment: This sequence change creates a premature translational stop signal (p.Gln6157*) in the SYNE1 gene. It is expected to result in an absent or disrupted protein product. Loss-of-function variants in SYNE1 are known to be pathogenic (PMID: 19542096, 24319099, 27086870). This variant is present in population databases (no rsID available, gnomAD 0.0009%). This variant has not been reported in the literature in individuals affected with SYNE1-related conditions. ClinVar contains an entry for this variant (Variation ID: 379571). Algorithms developed to predict the effect of sequence changes on RNA splicing suggest that this variant may disrupt the consensus splice site. For these reasons, this variant has been classified as Pathogenic.

Blueprint Genetics
Classification: Likely pathogenic for SYNE1-related disorders. Last evaluated: 2020-09-29. Review status: criteria provided, single submitter. Criteria: ACMG Guidelines, 2015. Collection method: clinical testing. Allele origin: germline. Affected: yes. Observed: 1 variant allele.

GeneDx
Classification: Pathogenic. Last evaluated: 2015-04-20. Review status: criteria provided, single submitter. Criteria: GeneDx Variant Classification (06012015). Collection method: clinical testing. Allele origin: germline. Affected: yes.
Comment: The Q6157X variant in the SYNE1 gene has not been reported previously as pathogenic nor as a benign polymorphism, to our knowledge. This variant is predicted to cause loss of normal proteinfunction either through protein truncation or nonsense-mediated mRNA decay. The Q6157X variant wasnot observed in approximately 6500 individuals of European and African American ancestry in the NHLBIExome Sequencing Project, indicating it is not a common benign variant in these populations. We interpretQ6157X as a pathogenic variant.

Literature cited by the submitters: PubMed 19542096 (cited by Labcorp Genetics (formerly Invitae), Labcorp); PubMed 24319099 (cited by Labcorp Genetics (formerly Invitae), Labcorp); PubMed 27086870 (cited by Labcorp Genetics (formerly Invitae), Labcorp).

NM_182961.4(SYNE1):c.18682C>T (p.Gln6228Ter)

Gene: SYNE1 (spectrin repeat containing nuclear envelope protein 1; minus strand). Cytogenetic location: 6q25.2.
Variant type: single nucleotide variant.
Coding change: c.18682C>T on transcript NM_182961.4 (MANE Select); coding-DNA position 18682, C replaced by T.
Protein change: p.Gln6228Ter; replaces glutamine 6228 with a stop codon.
Molecular consequence: nonsense.
Genome position (GRCh38, 1-based): chr6:152,269,178, G>A on the plus strand (C>T on the coding strand, the complement: SYNE1 is on the minus strand). VCF-style: chr6-152269178-G-A. GRCh37 (hg19) VCF-style: chr6-152590313-G-A.
Other names: c.18469C>T, p.Gln6157Ter (NM_033071.5); short protein forms Q6157*, Q6228*.
Identifiers: ClinVar variation 379571 (VCV000379571.8), dbSNP rs910956017, ClinGen allele CA16605044.
Genomic context (GRCh38, chr6:152,269,178, plus strand): 5'-AGATCTGCAAGCTAGAGAGAGGTAGGAAACACTTTACTTTTTGTTGCTGGAGACTGCTCT[G>A]CCGCTGCTGGGTCCATGTGGTGCGAGCTTGGGCCAGCCATTCCTGGACGCCGGGGCTCTG-3'